The following is an entry in ClinVar:

NM_000321.3(RB1):c.1957A>G (p.Lys653Glu)

Gene: RB1 (RB transcriptional corepressor 1; plus strand). Cytogenetic location: 13q14.2.
Variant type: single nucleotide variant.
Coding change: c.1957A>G on transcript NM_000321.3 (MANE Select); coding-DNA position 1957, A replaced by G.
Protein change: p.Lys653Glu; replaces lysine 653 with glutamic acid.
Molecular consequence: missense variant.
Genome position (GRCh38, 1-based): chr13:48,456,346, A>G. VCF-style: chr13-48456346-A-G. GRCh37 (hg19) VCF-style: chr13-49030482-A-G.
Other names: c.1957A>G, p.Lys653Glu (NM_001407165.1); short protein forms K653E.
Identifiers: ClinVar variation 2565237 (VCV002565237.6), dbSNP rs1949360231, ClinGen allele CA388166301.

ClinVar aggregate classification (germline): Uncertain significance. Review status: criteria provided, multiple submitters, no conflicts (2 of 4 stars). 3 submissions from 3 submitters: Uncertain significance (3). Last evaluated 2026-04-16.

Conditions:
Hereditary cancer-predisposing syndrome. Also called: Neoplastic Syndromes, Hereditary; Tumor predisposition; Hereditary Cancer Syndrome; Hereditary neoplastic syndrome. Identifiers: Orphanet 140162, MedGen C0027672, MeSH D009386, MONDO:0015356.
Retinoblastoma (RB1). Also called: RETINOBLASTOMA, SOMATIC. Identifiers: Orphanet 790, MedGen C0035335, MeSH D012175, MONDO:0008380, OMIM 180200, HP:0009919. Disease mechanism: loss of function. Inheritance: Both sporadic and heritable forms are tested..

Submissions (3):

Ambry Genetics
Classification: Uncertain significance for Hereditary cancer-predisposing syndrome. Last evaluated: 2026-04-16. Review status: criteria provided, single submitter. Criteria: Ambry Variant Classification Scheme 2023. Collection method: clinical testing. Allele origin: germline.
Comment: The p.K653E variant (also known as c.1957A>G), located in coding exon 19 of the RB1 gene, results from an A to G substitution at nucleotide position 1957. The lysine at codon 653 is replaced by glutamic acid, an amino acid with similar properties. This amino acid position is highly conserved in available vertebrate species. In addition, this alteration is predicted to be deleterious by in silico analysis. Based on the available evidence, the clinical significance of this variant remains unclear.

Labcorp Genetics (formerly Invitae), Labcorp
Classification: Uncertain significance for Retinoblastoma. Last evaluated: 2024-11-03. Review status: criteria provided, single submitter. Criteria: Invitae Variant Classification Sherloc (09022015). Collection method: clinical testing. Allele origin: germline.
Comment: This sequence change replaces lysine, which is basic and polar, with glutamic acid, which is acidic and polar, at codon 653 of the RB1 protein (p.Lys653Glu). This variant is not present in population databases (gnomAD no frequency). This variant has not been reported in the literature in individuals affected with RB1-related conditions. ClinVar contains an entry for this variant (Variation ID: 2565237). Invitae Evidence Modeling of protein sequence and biophysical properties (such as structural, functional, and spatial information, amino acid conservation, physicochemical variation, residue mobility, and thermodynamic stability) indicates that this missense variant is expected to disrupt RB1 protein function with a positive predictive value of 80%. In summary, the available evidence is currently insufficient to determine the role of this variant in disease. Therefore, it has been classified as a Variant of Uncertain Significance.

All of Us Research Program, National Institutes of Health
Classification: Uncertain significance for Retinoblastoma. Last evaluated: 2024-06-11. Review status: criteria provided, single submitter. Criteria: ACMG Guidelines, 2015. Collection method: clinical testing. Allele origin: germline. Inheritance: Autosomal dominant inheritance. Observed: 1 variant allele, 1 heterozygote.
Comment: This study involves interpretation of variants in research participants for the purpose of population health screening. Participant phenotype was not available at the time of variant classification. Additional details can be found in publication PMID: 35346344, PMCID: PMC8962531